The following is an entry in ClinVar:

ClinVar aggregate classification (germline): Uncertain significance (1 of 4 stars; one submission).

Conditions:
Inborn genetic diseases. Identifiers: MedGen C0950123, MeSH D030342.

gnomAD v4.1: 1 of 1,613,642 alleles (0.000062%); highest among the groups gnomAD compares: Middle Eastern, 0.017%; no homozygotes.

Submission:

Ambry Genetics
Classification: Uncertain significance for Inborn genetic diseases. Last evaluated: 2024-04-06. Review status: criteria provided, single submitter. Criteria: Ambry Variant Classification Scheme 2023. Collection method: clinical testing. Allele origin: germline.
Comment: The p.T1580A variant (also known as c.4738A>G), located in coding exon 27 of the ATR gene, results from an A to G substitution at nucleotide position 4738. The threonine at codon 1580 is replaced by alanine, an amino acid with similar properties. This amino acid position is conserved. In addition, this alteration is predicted to be tolerated by in silico analysis. Based on the available evidence, the clinical significance of this variant remains unclear.

NM_001184.4(ATR):c.4738A>G (p.Thr1580Ala)

Gene: ATR (ATR serine/threonine kinase; minus strand). Cytogenetic location: 3q23.
Variant type: single nucleotide variant.
Coding change: c.4738A>G on transcript NM_001184.4 (MANE Select); coding-DNA position 4738, A replaced by G.
Protein change: p.Thr1580Ala; replaces threonine 1580 with alanine.
Molecular consequence: missense variant.
Genome position (GRCh38, 1-based): chr3:142,512,374, T>C on the plus strand (A>G on the coding strand, the complement: ATR is on the minus strand). VCF-style: chr3-142512374-T-C. GRCh37 (hg19) VCF-style: chr3-142231216-T-C.
Other names: c.4546A>G, p.Thr1516Ala (NM_001354579.2); short protein forms T1516A, T1580A.
Identifiers: ClinVar variation 3330529 (VCV003330529.1).